The following is an entry in ClinVar:

NM_001130823.3(DNMT1):c.357A>C (p.Arg119Ser)

Gene: DNMT1 (DNA methyltransferase 1; minus strand). Cytogenetic location: 19p13.2.
Variant type: single nucleotide variant.
Coding change: c.357A>C on transcript NM_001130823.3 (MANE Select); coding-DNA position 357, A replaced by C.
Protein change: p.Arg119Ser; replaces arginine 119 with serine.
Molecular consequence: missense variant. On other transcripts: 5 prime UTR variant (1).
Genome position (GRCh38, 1-based): chr19:10,180,438, T>G on the plus strand (A>C on the coding strand, the complement: DNMT1 is on the minus strand). VCF-style: chr19-10180438-T-G. GRCh37 (hg19) VCF-style: chr19-10291114-T-G.
Other names: c.357A>C (NM_001130823.2); c.357A>C, p.Arg119Ser (NM_001318730.2, NM_001379.4); c.-7A>C (NM_001318731.2); short protein forms R119S.
Identifiers: ClinVar variation 851659 (VCV000851659.15), dbSNP rs373923585, ClinGen allele CA9188783.
Genomic context (GRCh38, chr19:10,180,438, plus strand): 5'-CCTGGGCGTGCGAGGTTTGGAAAGGGGTTTGGGGGGGCTGTTGGCATCTGCCATTCCCAC[T>G]CTACGGGCTTCACTTCTTGCTTGGTTCCCGTTTTCTAGACGTCCATTCACTTCCCGGTTG-3'
Protein context (NP_001124295.1, residues 109-129): NGNQARSEAR[Arg119Ser]VGMADANSPP

ClinVar aggregate classification (germline): Conflicting classifications of pathogenicity. Review status: criteria provided, conflicting classifications (1 of 4 stars). 4 submissions from 4 submitters: Uncertain significance (2); Likely benign (2). Last evaluated 2026-02-16.

Conditions:
DNMT1-related disorder. Also called: DNMT1-related condition. Identifiers: MedGen CN381527.
Inborn genetic diseases. Identifiers: MedGen C0950123, MeSH D030342.
Hereditary sensory neuropathy-deafness-dementia syndrome. Also called: Hereditary Sensory and Autonomic Neuropathy Type 1E (HSAN1E); HSN IE; Hereditary sensory neuropathy type IE; NEUROPATHY, HEREDITARY SENSORY, WITH HEARING LOSS AND DEMENTIA. Identifiers: Orphanet 456318, MedGen C3279885, MONDO:0013584, OMIM 614116.

Allele frequency attached by ClinVar (database versions not stated): gnomAD exomes 0.00001; ExAC 0.00002; TOPMed 0.00005; gnomAD 0.00009; ESP Exome Variant Server 0.00015.

Submissions (4):

PreventionGenetics, part of Exact Sciences
Classification: Uncertain significance for DNMT1-related condition. Last evaluated: 2026-02-16. Review status: criteria provided, single submitter. Criteria: ACMG Guidelines, 2015. Collection method: clinical testing. Allele origin: germline.
Comment: The DNMT1 c.357A>C variant is predicted to result in the amino acid substitution p.Arg119Ser. To our knowledge, this variant has not been reported in the literature. This variant is reported in 0.024% of alleles in individuals of African descent in gnomAD. Although we suspect that this variant may be benign, at this time, the clinical significance of this variant is uncertain due to the absence of conclusive functional and genetic evidence.

Labcorp Genetics (formerly Invitae), Labcorp
Classification: Likely benign for Hereditary sensory neuropathy-deafness-dementia syndrome. Last evaluated: 2023-12-20. Review status: criteria provided, single submitter. Criteria: Invitae Variant Classification Sherloc (09022015). Collection method: clinical testing. Allele origin: germline.

Revvity Omics, Revvity
Classification: Uncertain significance. Last evaluated: 2021-06-07. Review status: criteria provided, single submitter. Criteria: ACMG Guidelines, 2015. Collection method: clinical testing. Allele origin: germline.

Ambry Genetics
Classification: Likely benign for Inborn genetic diseases. Last evaluated: 2020-07-30. Review status: criteria provided, single submitter. Criteria: Ambry Variant Classification Scheme 2023. Collection method: clinical testing. Allele origin: germline.